The following is an entry in ClinVar:

NM_000518.5(HBB):c.384G>C (p.Gln128His)

Genes: HBB (hemoglobin subunit beta; minus strand), LOC107133510 (origin of replication at HBB; plus strand), LOC110006319 (beta-globin gene 3' regulatory region; plus strand). Cytogenetic location: 11p15.4.
Variant type: single nucleotide variant.
Coding change: c.384G>C on transcript NM_000518.5 (MANE Select); coding-DNA position 384, G replaced by C.
Protein change: p.Gln128His; replaces glutamine 128 with histidine.
Molecular consequence: missense variant.
Genome position (GRCh38, 1-based): chr11:5,225,658, C>G on the plus strand (G>C on the coding strand, the complement: HBB is on the minus strand). VCF-style: chr11-5225658-C-G. GRCh37 (hg19) VCF-style: chr11-5246888-C-G.
Other names: short protein forms Q128H.
Identifiers: ClinVar variation 1098525 (VCV001098525.4), dbSNP rs1437278962, ClinGen allele CA379273690.

ClinVar aggregate classification (germline): Uncertain significance. Review status: criteria provided, multiple submitters, no conflicts (2 of 4 stars). 2 submissions from 2 submitters: Uncertain significance (2). Last evaluated 2025-04-29.

Conditions:
Delta-beta-thalassemia. Identifiers: Orphanet 231237, MedGen C0271985, MONDO:0016489.

Allele frequency attached by ClinVar (database versions not stated): gnomAD 0.00001; gnomAD exomes below 0.00001; TOPMed 0.00001.
gnomAD v4.1: 2 of 1,613,926 alleles (0.00012%); highest among the groups gnomAD compares: African/African-American, 0.0027%; no homozygotes.

Submissions (2):

Women's Health and Genetics/Laboratory Corporation of America, LabCorp
Classification: Uncertain significance. Last evaluated: 2025-04-29. Review status: criteria provided, single submitter. Criteria: LabCorp Variant Classification Summary - May 2015. Collection method: clinical testing. Allele origin: germline.
Comment: Variant summary: HBB c.384G>C (p.Gln128His) results in a non-conservative amino acid change in the encoded protein sequence. Three of five in-silico tools predict a benign effect of the variant on protein function. The variant allele was found at a frequency of 4e-06 in 251326 control chromosomes. The available data on variant occurrences in the general population are insufficient to allow any conclusion about variant significance. c.384G>C has been observed in individual(s) affected with Hemoglobinopathy. These report(s) do not provide unequivocal conclusions about association of the variant with Hemoglobinopathy. To our knowledge, no experimental evidence demonstrating an impact on protein function has been reported. ClinVar contains an entry for this variant (Variation ID: 1098525). Based on the evidence outlined above, the variant was classified as uncertain significance.

Genomic Medicine Center of Excellence, King Faisal Specialist Hospital and Research Centre
Classification: Uncertain significance for Delta-beta-thalassemia. Last evaluated: 2021-04-28. Review status: criteria provided, single submitter. Criteria: ACMG Guidelines, 2015. Collection method: research. Allele origin: germline.

Literature cited by the submitters: PubMed 34272389 (cited by Women's Health and Genetics/Laboratory Corporation of America, LabCorp).